The following is an entry in ClinVar:

ClinVar aggregate classification (germline): Pathogenic. Review status: reviewed by expert panel (3 of 4 stars). 12 submissions from 11 submitters: Pathogenic (1). 11 of the submissions do not count toward it. Last evaluated 2016-04-22.

Conditions:
BRCA2-related disorder. Also called: BRCA2-related condition; BRCA2-related disorders. Identifiers: MedGen CN239275.
Hereditary cancer-predisposing syndrome. Also called: Tumor predisposition; Neoplastic Syndromes, Hereditary; Hereditary neoplastic syndrome; Hereditary Cancer Syndrome. Identifiers: Orphanet 140162, MedGen C0027672, MeSH D009386, MONDO:0015356.
Familial pancreatic carcinoma. Identifiers: Orphanet 1333, MedGen C2931038, MONDO:0015278, OMIM 260350.
Hereditary breast ovarian cancer syndrome. Also called: Hereditary breast and ovarian cancer; BRCA1- and BRCA2-Associated Hereditary Breast and Ovarian Cancer; Hereditary breast and/or ovarian cancer syndrome; Hereditary breast and ovarian cancer syndrome; Breast and ovarian cancer; Hereditary breast and ovarian cancer syndrome (HBOC). Identifiers: Orphanet 145, MedGen C0677776, MeSH D061325, MONDO:0003582. Disease mechanism: loss of function.
Breast-ovarian cancer, familial, susceptibility to, 2 (BROVCA2). Also called: BRCA2 Hereditary Breast and Ovarian Cancer. Identifiers: Orphanet 145, MedGen C2675520, MONDO:0012933, OMIM 612555. Disease mechanism: loss of function.
Familial cancer of breast. Also called: BREAST CANCER, FAMILIAL; hereditary breast carcinoma; Hereditary breast cancer. Identifiers: Orphanet 227535, MedGen C0346153, MONDO:0016419, OMIM 114480. Disease mechanism: loss of function.

Submissions (12):

Evidence-based Network for the Interpretation of Germline Mutant Alleles (ENIGMA)
Classification: Pathogenic for Breast-ovarian cancer, familial, susceptibility to, 2. Last evaluated: 2016-04-22. Review status: reviewed by expert panel. Criteria: ENIGMA BRCA1/2 Classification Criteria (2015). Collection method: curation. Allele origin: germline.
Comment: Variant allele predicted to encode a truncated non-functional protein.

Labcorp Genetics (formerly Invitae), Labcorp
Classification: Pathogenic for Hereditary breast ovarian cancer syndrome. Last evaluated: 2025-10-13. Review status: criteria provided, single submitter. Criteria: Invitae Variant Classification Sherloc (09022015). Collection method: clinical testing. Allele origin: germline. Not counted in ClinVar's aggregate classification.
Comment: This sequence change creates a premature translational stop signal (p.Ser181Phefs*5) in the BRCA2 gene. It is expected to result in an absent or disrupted protein product. Loss-of-function variants in BRCA2 are known to be pathogenic (PMID: 20104584). This variant is not present in population databases (gnomAD no frequency). This premature translational stop signal has been observed in individual(s) with breast and/or ovarian cancer (PMID: 12960223, 14574168, 17826769, 23035815). This variant is also known as 767insAT. ClinVar contains an entry for this variant (Variation ID: 51851). For these reasons, this variant has been classified as Pathogenic.

Blueprint Genetics
Classification: Pathogenic for BRCA2-related disorders. Last evaluated: 2024-10-18. Review status: criteria provided, single submitter. Criteria: ACMG Guidelines, 2015. Collection method: clinical testing. Allele origin: germline. Affected: yes. Observed: 1 variant allele. Not counted in ClinVar's aggregate classification.

Quest Diagnostics Nichols Institute San Juan Capistrano
Classification: Pathogenic. Last evaluated: 2024-04-04. Review status: criteria provided, single submitter. Criteria: Quest Diagnostics criteria. Collection method: clinical testing. Allele origin: unknown. Not counted in ClinVar's aggregate classification.
Comment: The BRCA2 c.538_539dup (p.Ser181Phefs*5) variant alters the translational reading frame of the BRCA2 mRNA and causes the premature termination of BRCA2 protein synthesis. This variant has been reported in the published literature in individuals and families with breast/ovarian cancer (PMIDs: 31090900 (2019), 14574168 (2001)) and prostate cancer (PMID: 23035815 (2012)). This variant has not been reported in large, multi-ethnic general populations (Genome Aggregation Database). Based on the available information, this variant is classified as pathogenic.

Baylor Genetics
Classification: Pathogenic for Familial cancer of breast. Last evaluated: 2023-12-16. Review status: criteria provided, single submitter. Criteria: ACMG Guidelines, 2015. Collection method: clinical testing. Allele origin: unknown. Not counted in ClinVar's aggregate classification.

Color Diagnostics, LLC DBA Color Health
Classification: Pathogenic for Hereditary cancer-predisposing syndrome. Last evaluated: 2023-06-14. Review status: criteria provided, single submitter. Criteria: ACMG Guidelines, 2015. Collection method: clinical testing. Allele origin: germline. Not counted in ClinVar's aggregate classification.
Comment: This variant inserts 2 nucleotides in exon 7 of the BRCA2 gene, creating a frameshift and premature translation stop signal. This variant is also known as 767insAT in the literature. This variant is expected to result in an absent or non-functional protein product. This variant has been reported in individuals affected with breast and/or ovarian cancer, or prostate cancer (PMID: 17636422, 23035815, 31090900, 36169650) and has been identified in 21 families among the CIMBA participants (PMID: 29446198). This variant has not been identified in the general population by the Genome Aggregation Database (gnomAD). Loss of BRCA2 function is a known mechanism of disease. Based on the available evidence, this variant is classified as Pathogenic.

Ambry Genetics
Classification: Pathogenic for Hereditary cancer-predisposing syndrome. Last evaluated: 2023-04-24. Review status: criteria provided, single submitter. Criteria: Ambry Variant Classification Scheme 2023. Collection method: clinical testing. Allele origin: germline. Not counted in ClinVar's aggregate classification.
Comment: The c.538_539dupAT pathogenic mutation, located in coding exon 6 of the BRCA2 gene, results from a duplication of AT at nucleotide position 538, causing a translational frameshift with a predicted alternate stop codon (p.S181Ffs*5). This mutation has been reported in families with breast, ovarian, prostate, and male breast cancer (Evans DG et al. Fam. Cancer 2001;1(3-4):131-3; Willems-Jones A et al. BJU Int., 2012 Dec;110:E1181-6; Nones K et al. Ann. Oncol., 2019 Jul;30:1071-1079). This alteration was also identified in a large, worldwide study of BRCA1/2 mutation positive families (Rebbeck TR et al. Hum. Mutat., 2018 05;39:593-620). Of note, this alteration is also designated as 767insAT in published literature. In addition to the clinical data presented in the literature, this alteration is expected to result in loss of function by premature protein truncation or nonsense-mediated mRNA decay. As such, this alteration is interpreted as a disease-causing mutation.

Consortium of Investigators of Modifiers of BRCA1/2 (CIMBA), c/o University of Cambridge
Classification: Pathogenic for Breast-ovarian cancer, familial, susceptibility to, 2. Last evaluated: 2015-10-02. Review status: criteria provided, single submitter. Criteria: CIMBA Mutation Classification guidelines May 2016. Collection method: clinical testing. Allele origin: germline. Not counted in ClinVar's aggregate classification.

Department of Pathology and Laboratory Medicine, Sinai Health System
Classification: Pathogenic for Familial pancreatic carcinoma. Last evaluated: 2012-06-06. Review status: criteria provided, single submitter. Criteria: ACMG Guidelines, 2015. Collection method: clinical testing. Allele origin: germline. Affected: yes. Not counted in ClinVar's aggregate classification.

Sharing Clinical Reports Project (SCRP)
Classification: Pathogenic for Breast-ovarian cancer, familial 2. Last evaluated: 2011-07-12. Review status: no assertion criteria provided. Collection method: clinical testing. Allele origin: germline. Not counted in ClinVar's aggregate classification.

Breast Cancer Information Core (BIC) (BRCA2)
Classification: Pathogenic for Breast-ovarian cancer, familial 2. Last evaluated: 2002-05-29. Review status: no assertion criteria provided. Collection method: clinical testing. Allele origin: germline. Affected: yes. Observed: 4 variant alleles. Not counted in ClinVar's aggregate classification.

Department of Pathology and Laboratory Medicine, Sinai Health System
Classification: Pathogenic for Breast-ovarian cancer, familial, susceptibility to, 2. Review status: no assertion criteria provided. Collection method: clinical testing. Allele origin: unknown. Affected: yes. Study: The Canadian Open Genetics Repository (COGR). Not counted in ClinVar's aggregate classification.
Comment: The p.Ser181PhefsX5 variant has been identified in 2 out of 998 proband chromosomes (frequency 0.002) in individuals with male breast cancer and female breast and ovarian cancer phenotype, however no normal population controls were included in these studies (Evans 2001, Evans 2003). It is listed in dbSNP database coming from a â€šÃ„Ãºclinical sourceâ€šÃ„Ã¹ (ID#: rs80359511), however no frequency information was provided. This variant is predicted to cause a frameshift, which alters the protein's amino acid sequence beginning at codon 181 and leads to a premature stop codon 5 codons downstream. This alteration is then predicted to lead to a truncated or absent BRCA2 protein and loss of function. Loss of function of the BRCA2 gene is an established disease mechanism in hereditary breast cancer patients. In addition, this variant has also been listed in the BIC database (4X) as a pathogenic variant. In summary, based on the above information, this variant is classified as pathogenic.

Literature cited by the submitters: PubMed 20104584 (cited by Labcorp Genetics (formerly Invitae), Labcorp); PubMed 12960223 (cited by 3 submitters); PubMed 14574168 (cited by 4 submitters); PubMed 17826769 (cited by Labcorp Genetics (formerly Invitae), Labcorp and Department of Pathology and Laboratory Medicine, Sinai Health System); PubMed 23035815 (cited by 4 submitters); PubMed 31090900 (cited by 3 submitters); PubMed 17636422 (cited by Color Diagnostics, LLC DBA Color Health); PubMed 29446198 (cited by Color Diagnostics, LLC DBA Color Health and Ambry Genetics); PubMed 36169650 (cited by Color Diagnostics, LLC DBA Color Health); PubMed 17063265 (cited by Department of Pathology and Laboratory Medicine, Sinai Health System).

NM_000059.4(BRCA2):c.538_539dup (p.Ser181fs)

Gene: BRCA2 (BRCA2 DNA repair associated; plus strand). Cytogenetic location: 13q13.1.
Variant type: Microsatellite.
Coding change: c.538_539dup on transcript NM_000059.4 (MANE Select); coding-DNA positions 538 to 539, 2 bases duplicated (AT; older notation c.538_539dupAT).
Protein change: p.Ser181fs; shifts the reading frame from serine 181.
Molecular consequence: frameshift variant.
Genome position (GRCh38, 1-based): chr13:32,326,520-32,326,521, AT duplicated; duplicating any 2 consecutive bases within chr13:32,326,518-32,326,521 gives the same sequence; the c. name uses the placement nearest the transcript's 3' end. VCF-style (leftmost placement, unchanged base first): chr13-32326517-C-CAT. GRCh37 (hg19) VCF-style: chr13-32900654-C-CAT.
Other names: 767_768insAT; 767insAT; c.538_539dupAT (NM_000059.3); short protein forms S181fs.
Identifiers: ClinVar variation 51851 (VCV000051851.25), dbSNP rs80359510, ClinGen allele CA022222.